The following is an entry in ClinVar:

NM_004621.6(TRPC6):c.*314C>G

Gene: TRPC6 (transient receptor potential cation channel subfamily C member 6; minus strand). Cytogenetic location: 11q22.1.
Variant type: single nucleotide variant.
Coding change: c.*314C>G on transcript NM_004621.6 (MANE Select); 314 bases downstream of the stop codon, C replaced by G.
Molecular consequence: 3 prime UTR variant.
Genome position (GRCh38, 1-based): chr11:101,452,641, G>C on the plus strand (C>G on the coding strand, the complement: TRPC6 is on the minus strand). VCF-style: chr11-101452641-G-C. GRCh37 (hg19) VCF-style: chr11-101323372-G-C.
Identifiers: ClinVar variation 301892 (VCV000301892.5), dbSNP rs199583740, ClinGen allele CA10636724.

ClinVar aggregate classification (germline): Benign (1 of 4 stars; one submission).

Conditions:
Focal segmental glomerulosclerosis 2 (FSGS2). Identifiers: Orphanet 656, MedGen C1858915, MONDO:0011390, OMIM 603965.

Allele frequency attached by ClinVar (database versions not stated): gnomAD exomes 0.00010; 1000 Genomes Project 30x 0.00047; 1000 Genomes Project 0.00060; gnomAD 0.00079 and 0.00083; TOPMed 0.00085.
gnomAD v4.1: 134 of 301,564 alleles (0.044%); highest among the groups gnomAD compares: African/African-American, 0.28%; no homozygotes.

Submission:

Illumina Laboratory Services, Illumina
Classification: Benign for Focal segmental glomerulosclerosis 2. Last evaluated: 2018-01-13. Review status: criteria provided, single submitter. Criteria: ICSL Variant Classification Criteria 13 December 2019. Collection method: clinical testing. Allele origin: germline.
Comment: This variant was observed in the ICSL laboratory as part of a predisposition screen in an ostensibly healthy population. It had not been previously curated by ICSL or reported in the Human Gene Mutation Database (HGMD: prior to June 1st, 2018), and was therefore a candidate for classification through an automated scoring system. Utilizing variant allele frequency, disease prevalence and penetrance estimates, and inheritance mode, an automated score was calculated to assess if this variant is too frequent to cause the disease. Based on the score and internal cut-off values, a variant classified as benign is not then subjected to further curation. The score for this variant resulted in a classification of benign for this disease.